The following is an entry in ClinVar:

ClinVar aggregate classification (germline): Uncertain significance (1 of 4 stars; one submission).

gnomAD v4.1: 1 of 1,614,166 alleles (0.000062%); highest among the groups gnomAD compares: South Asian, 0.0011%; no homozygotes.

Submission:

GeneDx
Classification: Uncertain significance. Last evaluated: 2025-03-27. Review status: criteria provided, single submitter. Criteria: GeneDx Variant Classification Process June 2021. Collection method: clinical testing. Allele origin: germline. Affected: yes.
Comment: Not observed at significant frequency in large population cohorts (gnomAD); In silico analysis supports that this missense variant has a deleterious effect on protein structure/function; Has not been previously published as pathogenic or benign to our knowledge

NM_016203.4(PRKAG2):c.1670C>T (p.Thr557Ile)

Gene: PRKAG2 (protein kinase AMP-activated non-catalytic subunit gamma 2; minus strand). Cytogenetic location: 7q36.1.
Variant type: single nucleotide variant.
Coding change: c.1670C>T on transcript NM_016203.4 (MANE Select); coding-DNA position 1670, C replaced by T.
Protein change: p.Thr557Ile; replaces threonine 557 with isoleucine.
Molecular consequence: missense variant.
Genome position (GRCh38, 1-based): chr7:151,560,532, G>A on the plus strand (C>T on the coding strand, the complement: PRKAG2 is on the minus strand). VCF-style: chr7-151560532-G-A. GRCh37 (hg19) VCF-style: chr7-151257618-G-A.
Other names: c.1538C>T, p.Thr513Ile (NM_001040633.2, NM_001407024.1); c.1295C>T, p.Thr432Ile (NM_001304527.2, NM_001407029.1); c.947C>T, p.Thr316Ile (NM_001304531.2, NM_024429.2, NM_001407034.1 and 1 more transcripts); c.1298C>T, p.Thr433Ile (NM_001363698.2, NM_001407028.1); c.1670C>T, p.Thr557Ile (NM_001407021.1); c.1667C>T, p.Thr556Ile (NM_001407022.1, NM_001407023.1); c.1535C>T, p.Thr512Ile (NM_001407026.1, NM_001407027.1); c.944C>T, p.Thr315Ile (NM_001407040.1, NM_001407036.1, NM_001407039.1); and 6 more; short protein forms T332I, T336I, T449I, T460I, T461I, T557I, T433I, T451I.
Identifiers: ClinVar variation 4088054 (VCV004088054.1).
Genomic context (GRCh38, chr7:151,560,532, plus strand): 5'-CCTCCCACCCTTCCTAGACGCCGATGGCAAAGGTCAGAAACCAGCATTTTACCTGCTGGT[G>A]TGAGGATCAGGGCTTGCAGAATGTCCGACAGGGAAATAATACCCACAATACTATCTGCTT-3'
Protein context (NP_057287.2, residues 547-567): LSDILQALIL[Thr557Ile]PAGAKQKETE